The following is an entry in ClinVar:

ClinVar aggregate classification (germline): Uncertain significance (1 of 4 stars; one submission).

Conditions:
Charcot-Marie-Tooth disease axonal type 2O. Also called: CHARCOT-MARIE-TOOTH NEUROPATHY, AXONAL, TYPE 2O; CHARCOT-MARIE-TOOTH DISEASE, AXONAL, AUTOSOMAL DOMINANT, TYPE 2O; Charcot-Marie-Tooth Neuropathy Type 2O; Charcot-Marie-Tooth disease, axonal, type 20. Identifiers: Orphanet 284232, MedGen C3280220, MONDO:0013644, OMIM 614228.

Allele frequency attached by ClinVar (database versions not stated): gnomAD 0.00001; ExAC 0.00001; gnomAD exomes below 0.00001; TOPMed 0.00001; ESP Exome Variant Server 0.00008.
gnomAD v4.1: 5 of 1,605,172 alleles (0.00031%); highest among the groups gnomAD compares: Non-Finnish European, 0.00042%; no homozygotes.

Submission:

Labcorp Genetics (formerly Invitae), Labcorp
Classification: Uncertain significance for Charcot-Marie-Tooth disease axonal type 2O. Last evaluated: 2025-02-06. Review status: criteria provided, single submitter. Criteria: Invitae Variant Classification Sherloc (09022015). Collection method: clinical testing. Allele origin: germline.
Comment: This sequence change replaces alanine, which is neutral and non-polar, with valine, which is neutral and non-polar, at codon 4584 of the DYNC1H1 protein (p.Ala4584Val). This variant is not present in population databases (gnomAD no frequency). This variant has not been reported in the literature in individuals affected with DYNC1H1-related conditions. ClinVar contains an entry for this variant (Variation ID: 2733209). Invitae Evidence Modeling of protein sequence and biophysical properties (such as structural, functional, and spatial information, amino acid conservation, physicochemical variation, residue mobility, and thermodynamic stability) indicates that this missense variant is not expected to disrupt DYNC1H1 protein function with a negative predictive value of 95%. In summary, the available evidence is currently insufficient to determine the role of this variant in disease. Therefore, it has been classified as a Variant of Uncertain Significance.

NM_001376.5(DYNC1H1):c.13751C>T (p.Ala4584Val)

Gene: DYNC1H1 (dynein cytoplasmic 1 heavy chain 1; plus strand). Cytogenetic location: 14q32.31.
Variant type: single nucleotide variant.
Coding change: c.13751C>T on transcript NM_001376.5 (MANE Select); coding-DNA position 13751, C replaced by T.
Protein change: p.Ala4584Val; replaces alanine 4584 with valine.
Molecular consequence: missense variant.
Genome position (GRCh38, 1-based): chr14:102,050,137, C>T. VCF-style: chr14-102050137-C-T. GRCh37 (hg19) VCF-style: chr14-102516474-C-T.
Other names: short protein forms A4584V.
Identifiers: ClinVar variation 2733209 (VCV002733209.3), dbSNP rs374235890, ClinGen allele CA7354349.
Genomic context (GRCh38, chr14:102,050,137, plus strand): 5'-AACTTCAAGGGGCCACGTGCAACAACAACAAGCTGTCACTGTCCAATGCCATCTCAACCG[C>T]CCTTCCCCTGACGCAGCTGCGCTGGGTCAAGCAGACAAACACCGAGAAGAAGGCCAGTGT-3'
Protein context (NP_001367.2, residues 4574-4594): KLSLSNAIST[Ala4584Val]LPLTQLRWVK